The following is an entry in ClinVar:

ClinVar aggregate classification (germline): Benign (1 of 4 stars; one submission).

Conditions:
Maturity-onset diabetes of the young type 11. Identifiers: Orphanet 552, MedGen C3150618, MONDO:0013242, OMIM 613375.

Allele frequency attached by ClinVar (database versions not stated): gnomAD 0.00488 and 0.00505; TOPMed 0.00557; 1000 Genomes Project 30x 0.00593; 1000 Genomes Project 0.00639.

Submission:

Illumina Laboratory Services, Illumina
Classification: Benign for Maturity-onset diabetes of the young type 11. Last evaluated: 2018-01-13. Review status: criteria provided, single submitter. Criteria: ICSL Variant Classification Criteria 13 December 2019. Collection method: clinical testing. Allele origin: germline.
Comment: This variant was observed in the ICSL laboratory as part of a predisposition screen in an ostensibly healthy population. It had not been previously curated by ICSL or reported in the Human Gene Mutation Database (HGMD: prior to June 1st, 2018), and was therefore a candidate for classification through an automated scoring system. Utilizing variant allele frequency, disease prevalence and penetrance estimates, and inheritance mode, an automated score was calculated to assess if this variant is too frequent to cause the disease. Based on the score and internal cut-off values, a variant classified as benign is not then subjected to further curation. The score for this variant resulted in a classification of benign for this disease.

NM_001715.3(BLK):c.-165G>T

Genes: BLK (BLK proto-oncogene, Src family tyrosine kinase), LOC126860302 (CDK7 strongly-dependent group 2 enhancer GRCh37_chr8:11351829-11353028). Cytogenetic location: 8p23.1.
Variant type: single nucleotide variant.
Coding change: c.-165G>T on transcript NM_001715.3 (MANE Select); 165 bases upstream of the start codon, G replaced by T.
Molecular consequence: 5 prime UTR variant.
Genome position (GRCh38, 1-based): chr8:11,494,428, G>T. VCF-style: chr8-11494428-G-T. GRCh37 (hg19) VCF-style: chr8-11351937-G-T.
Other names: c.-254G>T (NM_001330465.2).
Identifiers: ClinVar variation 361469 (VCV000361469.5), dbSNP rs139110057, ClinGen allele CA10626809.